The following is an entry in ClinVar:

NM_024408.4(NOTCH2):c.1430G>C (p.Gly477Ala)

Gene: NOTCH2 (notch receptor 2; minus strand). Cytogenetic location: 1p12.
Variant type: single nucleotide variant.
Coding change: c.1430G>C on transcript NM_024408.4 (MANE Select); coding-DNA position 1430, G replaced by C.
Protein change: p.Gly477Ala; replaces glycine 477 with alanine.
Molecular consequence: missense variant.
Genome position (GRCh38, 1-based): chr1:119,967,456, C>G on the plus strand (G>C on the coding strand, the complement: NOTCH2 is on the minus strand). VCF-style: chr1-119967456-C-G. GRCh37 (hg19) VCF-style: chr1-120510079-C-G.
Other names: c.1430G>C, p.Gly477Ala (NM_001200001.2); short protein forms G477A.
Identifiers: ClinVar variation 3633606 (VCV003633606.2).

ClinVar aggregate classification (germline): Uncertain significance (1 of 4 stars; one submission).

Conditions:
Hajdu-Cheney syndrome (HJCYS). Also called: Acroosteolysis dominant type; ACROOSTEOLYSIS WITH OSTEOPOROSIS AND CHANGES IN SKULL AND MANDIBLE; SERPENTINE FIBULA-POLYCYSTIC KIDNEY SYNDROME. Identifiers: Orphanet 955, MedGen C0917715, MONDO:0007057, OMIM 102500.

Submission:

Labcorp Genetics (formerly Invitae), Labcorp
Classification: Uncertain significance for Hajdu-Cheney syndrome. Last evaluated: 2024-09-18. Review status: criteria provided, single submitter. Criteria: Invitae Variant Classification Sherloc (09022015). Collection method: clinical testing. Allele origin: germline.
Comment: This sequence change replaces glycine, which is neutral and non-polar, with alanine, which is neutral and non-polar, at codon 477 of the NOTCH2 protein (p.Gly477Ala). This variant is not present in population databases (gnomAD no frequency). This variant has not been reported in the literature in individuals affected with NOTCH2-related conditions. Invitae Evidence Modeling of protein sequence and biophysical properties (such as structural, functional, and spatial information, amino acid conservation, physicochemical variation, residue mobility, and thermodynamic stability) indicates that this missense variant is not expected to disrupt NOTCH2 protein function with a negative predictive value of 95%. In summary, the available evidence is currently insufficient to determine the role of this variant in disease. Therefore, it has been classified as a Variant of Uncertain Significance.